The following is an entry in ClinVar:

ClinVar aggregate classification (germline): Conflicting classifications of pathogenicity. Review status: criteria provided, conflicting classifications (1 of 4 stars). 3 submissions from 3 submitters: Uncertain significance (2); Likely benign (1). Last evaluated 2025-09-02.

Conditions:
Kabuki syndrome. Also called: Kabuki make-up syndrome; NIIKAWA-KUROKI SYNDROME. Identifiers: Orphanet 2322, MedGen C0796004, MONDO:0016512.
Inborn genetic diseases. Identifiers: MedGen C0950123, MeSH D030342.
Kabuki syndrome 1 (KABUK1). Also called: KMT2D-Related Kabuki Syndrome. Identifiers: Orphanet 2322, MedGen CN030661, MONDO:0007843, OMIM 147920.

Allele frequency attached by ClinVar (database versions not stated): TOPMed 0.00001; gnomAD exomes 0.00002.

Submissions (3):

Labcorp Genetics (formerly Invitae), Labcorp
Classification: Likely benign for Kabuki syndrome. Last evaluated: 2025-09-02. Review status: criteria provided, single submitter. Criteria: Invitae Variant Classification Sherloc (09022015). Collection method: clinical testing. Allele origin: germline.

New York Genome Center
Classification: Uncertain significance for Kabuki syndrome 1. Last evaluated: 2021-08-26. Review status: criteria provided, single submitter. Criteria: NYGC Assertion Criteria 2020. Collection method: clinical testing. Allele origin: inherited. Observed: 1 heterozygote. Study: CSER-NYCKidSeq.

Ambry Genetics
Classification: Uncertain significance for Inborn genetic diseases. Last evaluated: 2020-11-12. Review status: criteria provided, single submitter. Criteria: Ambry Variant Classification Scheme 2023. Collection method: clinical testing. Allele origin: germline.
Comment: The c.9955G>A (p.G3319S) alteration is located in exon 34 (coding exon 34) of the KMT2D gene. This alteration results from a G to A substitution at nucleotide position 9955, causing the glycine (G) at amino acid position 3319 to be replaced by a serine (S). Based on data from the Genome Aggregation Database (gnomAD) database, the KMT2D c.9955G>A alteration was observed in 0.0004% (1/264,144) of total alleles studied. This amino acid position is not well conserved in available vertebrate species. The p.G3319S alteration is predicted to be tolerated by in silico analysis. Based on insufficient or conflicting evidence, the clinical significance of this alteration remains unclear.

NM_003482.4(KMT2D):c.9955G>A (p.Gly3319Ser)

Gene: KMT2D (lysine methyltransferase 2D; minus strand). Cytogenetic location: 12q13.12.
Variant type: single nucleotide variant.
Coding change: c.9955G>A on transcript NM_003482.4 (MANE Select); coding-DNA position 9955, G replaced by A.
Protein change: p.Gly3319Ser; replaces glycine 3319 with serine.
Molecular consequence: missense variant.
Genome position (GRCh38, 1-based): chr12:49,037,401, C>T on the plus strand (G>A on the coding strand, the complement: KMT2D is on the minus strand). VCF-style: chr12-49037401-C-T. GRCh37 (hg19) VCF-style: chr12-49431184-C-T.
Other names: short protein forms G3319S.
Identifiers: ClinVar variation 1701753 (VCV001701753.7), dbSNP rs1291730464, ClinGen allele CA384733528.